The following is an entry in ClinVar:

ClinVar aggregate classification (germline): Uncertain significance (1 of 4 stars; one submission).

Conditions:
LAMB2-related infantile-onset nephrotic syndrome. Also called: Nephrotic Syndrome, type 5; NEPHROTIC SYNDROME, TYPE 5, WITHOUT OCULAR ABNORMALITIES; NEPHROTIC SYNDROME, TYPE 5, WITH OCULAR ABNORMALITIES. Identifiers: Orphanet 306507, MedGen C3280113, MONDO:0013621, OMIM 614199.
Pierson syndrome. Also called: MICROCORIA-CONGENITAL NEPHROTIC SYNDROME. Identifiers: Orphanet 2670, MedGen C1836876, MONDO:0012184, OMIM 609049.

Submission:

Labcorp Genetics (formerly Invitae), Labcorp
Classification: Uncertain significance for LAMB2-related infantile-onset nephrotic syndrome; Pierson syndrome. Last evaluated: 2019-11-14. Review status: criteria provided, single submitter. Criteria: Invitae Variant Classification Sherloc (09022015). Collection method: clinical testing. Allele origin: germline.
Comment: In summary, the available evidence is currently insufficient to determine the role of this variant in disease. Therefore, it has been classified as a Variant of Uncertain Significance. Algorithms developed to predict the effect of missense changes on protein structure and function (SIFT, PolyPhen-2, Align-GVGD) all suggest that this variant is likely to be disruptive, but these predictions have not been confirmed by published functional studies and their clinical significance is uncertain. This variant has not been reported in the literature in individuals with LAMB2-related conditions. This variant is not present in population databases (ExAC no frequency). This sequence change replaces alanine with glutamic acid at codon 1593 of the LAMB2 protein (p.Ala1593Glu). The alanine residue is highly conserved and there is a moderate physicochemical difference between alanine and glutamic acid.

NM_002292.4(LAMB2):c.4778C>A (p.Ala1593Glu)

Gene: LAMB2 (laminin subunit beta 2; minus strand). Cytogenetic location: 3p21.31.
Variant type: single nucleotide variant.
Coding change: c.4778C>A on transcript NM_002292.4 (MANE Select); coding-DNA position 4778, C replaced by A.
Protein change: p.Ala1593Glu; replaces alanine 1593 with glutamic acid.
Molecular consequence: missense variant.
Genome position (GRCh38, 1-based): chr3:49,122,166, G>T on the plus strand (C>A on the coding strand, the complement: LAMB2 is on the minus strand). VCF-style: chr3-49122166-G-T. GRCh37 (hg19) VCF-style: chr3-49159599-G-T.
Other names: short protein forms A1593E.
Identifiers: ClinVar variation 967705 (VCV000967705.7), dbSNP rs1011098102, ClinGen allele CA352688672.